The following is an entry in ClinVar:

ClinVar aggregate classification (germline): Uncertain significance. Review status: criteria provided, single submitter (1 of 4 stars). 2 submissions from 2 submitters: Uncertain significance (1). 1 of the submissions does not count toward it. Last evaluated 2023-12-28.

Conditions:
Hereditary cancer-predisposing syndrome. Also called: Neoplastic Syndromes, Hereditary; Tumor predisposition; Hereditary Cancer Syndrome; Hereditary neoplastic syndrome. Identifiers: Orphanet 140162, MedGen C0027672, MeSH D009386, MONDO:0015356.
Congenital central hypoventilation. Also called: Congenital Central Hypoventilation Syndrome. Identifiers: Orphanet 661, Orphanet 99803, MedGen C1275808, MONDO:0800031. Disease mechanism: gain of function.

Submissions (2):

Ambry Genetics
Classification: Uncertain significance for Hereditary cancer-predisposing syndrome. Last evaluated: 2023-12-28. Review status: criteria provided, single submitter. Criteria: Ambry Variant Classification Scheme 2023. Collection method: clinical testing. Allele origin: germline.
Comment: The p.R149L variant (also known as c.446G>T), located in coding exon 3 of the PHOX2B gene, results from a G to T substitution at nucleotide position 446. The arginine at codon 149 is replaced by leucine, an amino acid with dissimilar properties. This variant was identified in one individual with a clinical diagnosis of congenital central hypoventilation syndrome (Lombardo RC et al. Genet Med, 2018 Dec;20:1538-1543). This amino acid position is highly conserved in available vertebrate species. In addition, this alteration is predicted to be deleterious by in silico analysis. Since supporting evidence is limited at this time, the clinical significance of this alteration remains unclear.

OMIM
Classification: Pathogenic for CENTRAL HYPOVENTILATION SYNDROME, CONGENITAL, 1. Last evaluated: 2021-08-26. Review status: no assertion criteria provided. Collection method: literature only. Allele origin: germline. Not counted in ClinVar's aggregate classification.

Literature cited by the submitters: PubMed 29543228 (cited by Ambry Genetics and OMIM); Hamosh, A. Personal Communication. 2020. Baltimore, Md. (cited by OMIM).

NM_003924.4(PHOX2B):c.446G>T (p.Arg149Leu)

Gene: PHOX2B (paired like homeobox 2B; minus strand). Cytogenetic location: 4p13.
Variant type: single nucleotide variant.
Coding change: c.446G>T on transcript NM_003924.4 (MANE Select); coding-DNA position 446, G replaced by T.
Protein change: p.Arg149Leu; replaces arginine 149 with leucine.
Molecular consequence: missense variant.
Genome position (GRCh38, 1-based): chr4:41,746,306, C>A on the plus strand (G>T on the coding strand, the complement: PHOX2B is on the minus strand). VCF-style: chr4-41746306-C-A. GRCh37 (hg19) VCF-style: chr4-41748323-C-A.
Other names: short protein forms R149L.
Identifiers: ClinVar variation 869128 (VCV000869128.5), dbSNP rs1733899167, ClinGen allele CA356738810.